The following is an entry in ClinVar:

NM_002202.3(ISL1):c.699G>A (p.Arg233=)

Gene: ISL1 (ISL LIM homeobox 1; plus strand). Cytogenetic location: 5q11.1.
Variant type: single nucleotide variant.
Coding change: c.699G>A on transcript NM_002202.3 (MANE Select); coding-DNA position 699, G replaced by A.
Protein change: p.Arg233=; no amino-acid change (arginine 233 retained).
Molecular consequence: synonymous variant.
Genome position (GRCh38, 1-based): chr5:51,389,866, G>A. VCF-style: chr5-51389866-G-A. GRCh37 (hg19) VCF-style: chr5-50685700-G-A.
Identifiers: ClinVar variation 3348364 (VCV003348364.1).

ClinVar aggregate classification (germline): Likely benign (0 of 4 stars; one submission).

Conditions:
ISL1-related disorder. Also called: ISL1-related condition.

Submission:

PreventionGenetics, part of Exact Sciences
Classification: Likely benign for ISL1-related condition. Last evaluated: 2023-11-17. Review status: no assertion criteria provided. Collection method: clinical testing. Allele origin: germline.
Comment: This variant is classified as likely benign based on ACMG/AMP sequence variant interpretation guidelines (Richards et al. 2015 PMID: 25741868, with internal and published modifications).